The following is an entry in ClinVar:

ClinVar aggregate classification (germline): Benign/Likely benign. Review status: criteria provided, multiple submitters, no conflicts (2 of 4 stars). 3 submissions from 3 submitters: Benign (1); Likely benign (2). Last evaluated 2026-01-22.

Conditions:
TRIM37-related disorder. Also called: TRIM37-related condition.

Allele frequency attached by ClinVar (database versions not stated): gnomAD 0.00003 and 0.00004; TOPMed 0.00019; ExAC 0.00043; gnomAD exomes 0.00045.
gnomAD v4.1: 132 of 1,613,526 alleles (0.0082%); highest among the groups gnomAD compares: Admixed American, 0.22%; 1 homozygote.

Submissions (3):

Labcorp Genetics (formerly Invitae), Labcorp
Classification: Benign. Last evaluated: 2026-01-22. Review status: criteria provided, single submitter. Criteria: Invitae Variant Classification Sherloc (09022015). Collection method: clinical testing. Allele origin: germline.

PreventionGenetics, part of Exact Sciences
Classification: Likely benign for TRIM37-related condition. Last evaluated: 2025-12-31. Review status: criteria provided, single submitter. Criteria: ACMG Guidelines, 2015. Collection method: clinical testing. Allele origin: germline.
Comment: This variant is classified as likely benign based on ACMG/AMP sequence variant interpretation guidelines (Richards et al. 2015 PMID: 25741868, with internal and published modifications).

Mayo Clinic Laboratories, Mayo Clinic
Classification: Likely benign. Last evaluated: 2025-01-27. Review status: criteria provided, single submitter. Criteria: ACMG Guidelines, 2015. Collection method: clinical testing. Allele origin: germline. Observed: 3 variant alleles.
Comment: BS1, BP4, BP7

NM_015294.6(TRIM37):c.996A>G (p.Ser332=)

Gene: TRIM37 (tripartite motif containing 37; minus strand). Cytogenetic location: 17q22.
Variant type: single nucleotide variant.
Coding change: c.996A>G on transcript NM_015294.6 (MANE Select); coding-DNA position 996, A replaced by G.
Protein change: p.Ser332=; no amino-acid change (serine 332 retained).
Molecular consequence: synonymous variant. On other transcripts: non-coding transcript variant (2).
Genome position (GRCh38, 1-based): chr17:59,061,055, T>C on the plus strand (A>G on the coding strand, the complement: TRIM37 is on the minus strand). VCF-style: chr17-59061055-T-C. GRCh37 (hg19) VCF-style: chr17-57138416-T-C.
Other names: p.Ser332=; c.996A>G, p.Ser332= (NM_001005207.5, NM_001320988.3, NM_001320989.3 and 1 more transcripts); c.894A>G, p.Ser298= (NM_001320987.3, NM_001353082.2); c.630A>G, p.Ser210= (NM_001320990.3); c.261A>G, p.Ser87= (NM_001353083.2); c.534A>G, p.Ser178= (NM_001353085.2); c.945A>G, p.Ser315= (NM_001353086.2).
Identifiers: ClinVar variation 729956 (VCV000729956.10), dbSNP rs762104530, ClinGen allele CA8678439.
Genomic context (GRCh38, chr17:59,061,055, plus strand): 5'-ATGCACATTAAGGTTGTTATTTAATTACACTTCTTACTTAGAAGTTTCAGGCAAGCCAGC[T>C]GAGAGCTCCAGAAACACAGATAAGTAGTAACCTCGCACAACTCCATTTCCATCCTAAAAG-3'
Protein context (NP_056109.1, residues 322-342): GYYLSVFLEL[Ser332=]AGLPETSKYE